The following is an entry in ClinVar:

ClinVar aggregate classification (germline): Pathogenic. Review status: reviewed by expert panel (3 of 4 stars). 7 submissions from 7 submitters: Pathogenic (1). 6 of the submissions do not count toward it. Last evaluated 2025-07-29.

Conditions:
Autosomal recessive limb-girdle muscular dystrophy. Identifiers: Orphanet 102015, MedGen C2931907, MONDO:0015152.
Neuromuscular disease caused by qualitative or quantitative defects of dysferlin. Also called: Dysferlinopathy; Qualitative or quantitative defects of dysferlin. Identifiers: Orphanet 207073, MedGen C2931687, MONDO:0016145.
Miyoshi muscular dystrophy 1 (MMD1). Identifiers: Orphanet 45448, MedGen C4551973, MONDO:0024545, OMIM 254130.
Autosomal recessive limb-girdle muscular dystrophy type 2B (LGMDR2). Also called: MUSCULAR DYSTROPHY, LIMB-GIRDLE, TYPE 3; Limb-Girdle Muscular Dystrophy Type 2B (LGMD2B); Limb-girdle muscular dystrophy, type 2B; MUSCULAR DYSTROPHY, LIMB-GIRDLE, AUTOSOMAL RECESSIVE 2. Identifiers: Orphanet 268, MedGen C1850889, MONDO:0009676, OMIM 253601.

Allele frequency attached by ClinVar (database versions not stated): gnomAD exomes below 0.00001.
gnomAD v4.1: 1 of 1,613,802 alleles (0.000062%); highest among the groups gnomAD compares: Non-Finnish European, 0.000085%; no homozygotes.

Submissions (7):

ClinGen Limb Girdle Muscular Dystrophy Variant Curation Expert Panel, ClinGen
Classification: Pathogenic for Autosomal recessive limb-girdle muscular dystrophy. Last evaluated: 2025-07-29. Review status: reviewed by expert panel. Criteria: ClinGen LGMD VCEP ACMG Specifications DYSF V1.0.0. Collection method: curation. Allele origin: germline. Inheritance: Autosomal recessive inheritance.
Comment: The NM_003494.4: c.3031+2T>C variant in DYSF, which is also known as NM_001130987.2: c.3085+2T>C, occurs within the canonical splice donor site (+/- 1,2) of intron 28. SpliceAI gives a delta score of 0.92 for loss of the canonical donor. RNAseq analysis has demonstrated that this variant causes skipping of exon 28, resulting in a frameshift and premature truncation, p.Asn976AlafsTer46 (PMID: 36983702; PVS1_RNA). This variant has been reported in at least six patients with clinical features consistent with LGMD, including in a homozygous state (0.5 pts) and confirmed in trans with a pathogenic variant (NM_003494.4: c.855+1del, 1.0 pt) (PMID: 26444858, 36983702, 18853459; PM3). At least one individual with this variant and a second DYSF variant had a clinical phenotype considered consistent with LGMD (PMID: 18853459; PP4). In addition, this variant has been shown to co-segregate with autosomal recessive LGMD in at least four family members from three families (PMID: 26444858, 18853459; PP1_Strong). Haplotype analysis of three seemingly unrelated families from Central Switzerland confirmed a founder effect of this variant in that region. The highest population allele frequency of this variant is in gnomAD v4.1.0 is 8.476e-7 (1/1179858 European (non-Finnish) alleles), which is less than the LGMD VCEP threshold for PM2_Supporting (0.0001), meeting this criterion (PM2_Supporting). In summary, this variant meets the criteria to be classified as Pathogenic for autosomal recessive limb girdle muscular dystrophy based on the ACMG/AMP criteria applied, as specified by the ClinGen LGMD VCEP (LGMD VCEP specifications version 1.0.0; 07/29/2025): PVS1_RNA, PM3, PP4, PP1_Strong, PM2_Supporting.

Labcorp Genetics (formerly Invitae), Labcorp
Classification: Pathogenic for Neuromuscular disease caused by qualitative or quantitative defects of dysferlin. Last evaluated: 2026-02-01. Review status: criteria provided, single submitter. Criteria: Invitae Variant Classification Sherloc (09022015). Collection method: clinical testing. Allele origin: germline. Not counted in ClinVar's aggregate classification.
Comment: This sequence change affects a donor splice site in intron 28 of the DYSF gene. It is expected to disrupt RNA splicing. Variants that disrupt the donor or acceptor splice site typically lead to a loss of protein function (PMID: 16199547), and loss-of-function variants in DYSF are known to be pathogenic (PMID: 17698709, 20301480). This variant is not present in population databases (gnomAD no frequency). Disruption of this splice site has been observed in individuals with dysferlinopathy (PMID: 18853459, 23406536, 26444858). It has also been observed to segregate with disease in related individuals. ClinVar contains an entry for this variant (Variation ID: 284804). Algorithms developed to predict the effect of sequence changes on RNA splicing suggest that this variant may disrupt the consensus splice site. For these reasons, this variant has been classified as Pathogenic.

Natera, Inc.
Classification: Pathogenic for Limb-girdle muscular dystrophy type 2B. Last evaluated: 2025-10-15. Review status: criteria provided, single submitter. Criteria: Natera Variant Classification Schema (03/2026). Collection method: clinical testing. Allele origin: germline. Not counted in ClinVar's aggregate classification.
Comment: The c.3031+2T>C variant in DYSF is a canonical splice donor site variant predicted to affect pre-mRNA splicing, which may result in an abnormal transcript and altered protein product. This variant is expected to result in nonsense mediated decay, truncation, or a dysfunctional protein product. This variant is rare in the general population with a frequency below the threshold expected for the associated phenotype(s). This variant has been observed in one or more individuals affected with the associated recessive disease, as either homozygous or compound heterozygous with a second variant (PMID: 18853459, 33927379). Additionally, this variant has been observed to segregate in affected family members (PMID: 18853459). Given the available evidence, this variant is classified as Pathogenic.

Revvity Omics, Revvity
Classification: Pathogenic. Last evaluated: 2024-02-20. Review status: criteria provided, single submitter. Criteria: ACMG Guidelines, 2015. Collection method: clinical testing. Allele origin: germline. Not counted in ClinVar's aggregate classification.

GeneDx
Classification: Pathogenic. Last evaluated: 2023-08-26. Review status: criteria provided, single submitter. Criteria: GeneDx Variant Classification Process June 2021. Collection method: clinical testing. Allele origin: germline. Affected: yes. Not counted in ClinVar's aggregate classification.
Comment: Canonical splice site variant predicted to result in a null allele in a gene for which loss of function is a known mechanism of disease; Not observed at significant frequency in large population cohorts (gnomAD); This variant is associated with the following publications: (PMID: 33715265, 33927379, 23406536, 26444858)

Baylor Genetics
Classification: Pathogenic for Miyoshi muscular dystrophy 1. Last evaluated: 2022-03-10. Review status: criteria provided, single submitter. Criteria: ACMG Guidelines, 2015. Collection method: clinical testing. Allele origin: unknown. Not counted in ClinVar's aggregate classification.

Eurofins Ntd Llc (ga)
Classification: Pathogenic. Last evaluated: 2015-11-19. Review status: criteria provided, single submitter. Criteria: EGL Classification Definitions 2015. Collection method: clinical testing. Allele origin: germline. Observed: 1 variant allele, 1 heterozygote. Not counted in ClinVar's aggregate classification.

Literature cited by the submitters: PubMed 16199547 (cited by Labcorp Genetics (formerly Invitae), Labcorp); PubMed 17698709 (cited by Labcorp Genetics (formerly Invitae), Labcorp); PubMed 20301480 (cited by Labcorp Genetics (formerly Invitae), Labcorp); PubMed 18853459 (cited by Labcorp Genetics (formerly Invitae), Labcorp and Natera, Inc.); PubMed 23406536 (cited by Labcorp Genetics (formerly Invitae), Labcorp); PubMed 26444858 (cited by Labcorp Genetics (formerly Invitae), Labcorp); PubMed 33927379 (cited by Natera, Inc.).

NM_001130987.2(DYSF):c.3085+2T>C

Gene: DYSF (dysferlin; plus strand). Cytogenetic location: 2p13.2.
Variant type: single nucleotide variant.
Coding change: c.3085+2T>C on transcript NM_001130987.2 (MANE Select); the canonical splice donor site of the intron after coding-DNA position 3085, T replaced by C.
Molecular consequence: splice donor variant.
Genome position (GRCh38, 1-based): chr2:71,570,336, T>C. VCF-style: chr2-71570336-T-C. GRCh37 (hg19) VCF-style: chr2-71797466-T-C.
Other names: c.3124+2T>C (NM_001130979.2); c.3082+2T>C (NM_001130981.2, NM_001130980.2); c.3031+2T>C (NM_001130978.2, NM_003494.4); c.2989+2T>C (NM_001130977.2, NM_001130976.2); c.3127+2T>C (NM_001130982.2); c.3085+2T>C (NM_001130985.2); c.3034+2T>C (NM_001130983.2, NM_001130455.2); c.2992+2T>C (NM_001130984.2, NM_001130986.2).
Identifiers: ClinVar variation 284804 (VCV000284804.20), dbSNP rs886042951, ClinGen allele CA10604913.